The following is an entry in ClinVar:

ClinVar aggregate classification (germline): Uncertain significance (1 of 4 stars; one submission).

Allele frequency attached by ClinVar (database versions not stated): gnomAD exomes below 0.00001; gnomAD 0.00001; ExAC 0.00002; TOPMed 0.00002.

Submission:

Labcorp Genetics (formerly Invitae), Labcorp
Classification: Uncertain significance. Last evaluated: 2022-10-12. Review status: criteria provided, single submitter. Criteria: Invitae Variant Classification Sherloc (09022015). Collection method: clinical testing. Allele origin: germline.
Comment: In summary, the available evidence is currently insufficient to determine the role of this variant in disease. Therefore, it has been classified as a Variant of Uncertain Significance. Advanced modeling of protein sequence and biophysical properties (such as structural, functional, and spatial information, amino acid conservation, physicochemical variation, residue mobility, and thermodynamic stability) has been performed at Invitae for this missense variant, however the output from this modeling did not meet the statistical confidence thresholds required to predict the impact of this variant on MMP14 protein function. This variant has not been reported in the literature in individuals affected with MMP14-related conditions. This variant is present in population databases (rs772385476, gnomAD 0.01%). This sequence change replaces proline, which is neutral and non-polar, with leucine, which is neutral and non-polar, at codon 495 of the MMP14 protein (p.Pro495Leu).

NM_004995.4(MMP14):c.1484C>T (p.Pro495Leu)

Gene: MMP14 (matrix metallopeptidase 14; plus strand). Cytogenetic location: 14q11.2.
Variant type: single nucleotide variant.
Coding change: c.1484C>T on transcript NM_004995.4 (MANE Select); coding-DNA position 1484, C replaced by T.
Protein change: p.Pro495Leu; replaces proline 495 with leucine.
Molecular consequence: missense variant.
Genome position (GRCh38, 1-based): chr14:22,845,774, C>T. VCF-style: chr14-22845774-C-T. GRCh37 (hg19) VCF-style: chr14-23314983-C-T.
Other names: short protein forms P495L.
Identifiers: ClinVar variation 1987424 (VCV001987424.4), dbSNP rs772385476, ClinGen allele CA7105490.
Genomic context (GRCh38, chr14:22,845,774, plus strand): 5'-CTTACTTCTACAAGGGGAACAAATACTGGAAATTCAACAACCAGAAGCTGAAGGTAGAAC[C>T]GGGCTACCCCAAGTCAGCCCTGAGGGACTGGATGGGCTGCCCATCGGGAGGCCGGCCGGA-3'
Protein context (NP_004986.1, residues 485-505): KFNNQKLKVE[Pro495Leu]GYPKSALRDW